The following is an entry in ClinVar:

ClinVar aggregate classification (germline): Uncertain significance. Review status: criteria provided, multiple submitters, no conflicts (2 of 4 stars). 3 submissions from 3 submitters: Uncertain significance (3). Last evaluated 2024-11-12.

Conditions:
Nephrolithiasis/nephrocalcinosis. Identifiers: MedGen CN580796.
Familial hypocalciuric hypercalcemia 1. Also called: Hypercalcemia, familial benign type 1. Identifiers: Orphanet 405, Orphanet 93372, MedGen C0342637, MONDO:0007791, OMIM 145980.
Neonatal severe primary hyperparathyroidism. Identifiers: Orphanet 417, MedGen C1832615, MONDO:0009397, OMIM 239200.
Autosomal dominant hypocalcemia 1 (HYPOC1). Also called: HYPOCALCEMIA, FAMILIAL. Identifiers: MedGen C3715128, MONDO:0011013, OMIM 601198.
Epilepsy, idiopathic generalized, susceptibility to, 8. Identifiers: MedGen C2752062, MONDO:0013032, OMIM 612899.
Familial hypocalciuric hypercalcemia (FHH). Also called: Familial benign hypercalcemia. Identifiers: Orphanet 405, MedGen C1809471, MONDO:0018458.

Allele frequency attached by ClinVar (database versions not stated): TOPMed below 0.00001; gnomAD 0.00001.
gnomAD v4.1: 6 of 1,613,902 alleles (0.00037%); highest among the groups gnomAD compares: African/African-American, 0.0013%; no homozygotes.

Submissions (3):

Ambry Genetics
Classification: Uncertain significance for Nephrolithiasis/nephrocalcinosis. Last evaluated: 2024-11-12. Review status: criteria provided, single submitter. Criteria: Ambry Variant Classification Scheme 2023. Collection method: clinical testing. Allele origin: germline.
Comment: The p.V894I variant (also known as c.2680G>A), located in coding exon 6 of the CASR gene, results from a G to A substitution at nucleotide position 2680. The valine at codon 894 is replaced by isoleucine, an amino acid with highly similar properties. This amino acid position is not well conserved in available vertebrate species. In addition, this alteration is predicted to be tolerated by in silico analysis. In addition, the evidence for the gene-disease relationship is limited for pancreatitis and cancer predisposition; therefore, the clinical significance of this variant for CASR-related pancreatitis and cancer predisposition is unclear. Based on the available evidence, the clinical significance of this variant remains unclear.

Labcorp Genetics (formerly Invitae), Labcorp
Classification: Uncertain significance for Familial hypocalciuric hypercalcemia; Autosomal dominant hypocalcemia 1. Last evaluated: 2022-09-19. Review status: criteria provided, single submitter. Criteria: Invitae Variant Classification Sherloc (09022015). Collection method: clinical testing. Allele origin: germline.
Comment: This variant is not present in population databases (gnomAD no frequency). This variant has not been reported in the literature in individuals affected with CASR-related conditions. ClinVar contains an entry for this variant (Variation ID: 463935). Algorithms developed to predict the effect of missense changes on protein structure and function output the following: SIFT: "Tolerated"; PolyPhen-2: "Benign"; Align-GVGD: "Class C0". The isoleucine amino acid residue is found in multiple mammalian species, which suggests that this missense change does not adversely affect protein function. In summary, the available evidence is currently insufficient to determine the role of this variant in disease. Therefore, it has been classified as a Variant of Uncertain Significance. This sequence change replaces valine, which is neutral and non-polar, with isoleucine, which is neutral and non-polar, at codon 894 of the CASR protein (p.Val894Ile).

Fulgent Genetics
Classification: Uncertain significance for Familial hypocalciuric hypercalcemia 1; Neonatal severe primary hyperparathyroidism; Autosomal dominant hypocalcemia 1; Epilepsy, idiopathic generalized, susceptibility to, 8. Last evaluated: 2021-12-25. Review status: criteria provided, single submitter. Criteria: ACMG Guidelines, 2015. Collection method: clinical testing. Allele origin: unknown.

NM_000388.4(CASR):c.2680G>A (p.Val894Ile)

Gene: CASR (calcium sensing receptor; plus strand). Cytogenetic location: 3q21.1.
Variant type: single nucleotide variant.
Coding change: c.2680G>A on transcript NM_000388.4 (MANE Select); coding-DNA position 2680, G replaced by A.
Protein change: p.Val894Ile; replaces valine 894 with isoleucine.
Molecular consequence: missense variant.
Genome position (GRCh38, 1-based): chr3:122,284,634, G>A. VCF-style: chr3-122284634-G-A. GRCh37 (hg19) VCF-style: chr3-122003481-G-A.
Other names: c.2710G>A, p.Val904Ile (NM_001178065.2); short protein forms V894I, V904I.
Identifiers: ClinVar variation 463935 (VCV000463935.14), dbSNP rs200883282, ClinGen allele CA354160546.